The following is an entry in ClinVar:

NM_000310.4(PPT1):c.820del (p.Met274fs)

Gene: PPT1 (palmitoyl-protein thioesterase 1; minus strand). Cytogenetic location: 1p34.2.
Variant type: Deletion.
Coding change: c.820del on transcript NM_000310.4 (MANE Select); coding-DNA position 820, one base deleted (A; older notation c.820delA).
Protein change: p.Met274fs; shifts the reading frame from methionine 274.
Molecular consequence: frameshift variant.
Genome position (GRCh38, 1-based): chr1:40,074,162, T deleted on the plus strand (A on the coding strand, the reverse complement: PPT1 is on the minus strand); the first of 3 consecutive T bases (chr1:40,074,162-40,074,164); deleting any one gives the same sequence. VCF-style (leftmost placement, unchanged base first): chr1-40074161-AT-A. GRCh37 (hg19) VCF-style: chr1-40539833-AT-A.
Other names: c.511del, p.Met171fs (NM_001142604.2); c.748del, p.Met250fs (NM_001363695.2); short protein forms M250fs, M171fs, M274fs.
Identifiers: ClinVar variation 2744463 (VCV002744463.3), dbSNP rs2523620826, ClinGen allele CA2697552318.

ClinVar aggregate classification (germline): Pathogenic (1 of 4 stars; one submission).

Conditions:
Neuronal ceroid lipofuscinosis 1 (CLN1). Also called: PPT1-Related Neuronal Ceroid-Lipofuscinosis; CEROID LIPOFUSCINOSIS, NEURONAL, 1, VARIABLE AGE AT ONSET. Identifiers: Orphanet 228329, MedGen C1850451, MONDO:0009744, OMIM 256730.

Submission:

Labcorp Genetics (formerly Invitae), Labcorp
Classification: Pathogenic for Neuronal ceroid lipofuscinosis 1. Last evaluated: 2023-07-17. Review status: criteria provided, single submitter. Criteria: Invitae Variant Classification Sherloc (09022015). Collection method: clinical testing. Allele origin: germline.
Comment: This variant has not been reported in the literature in individuals affected with PPT1-related conditions. This variant is not present in population databases (gnomAD no frequency). This sequence change creates a premature translational stop signal (p.Met274Trpfs*7) in the PPT1 gene. While this is not anticipated to result in nonsense mediated decay, it is expected to disrupt the last 33 amino acid(s) of the PPT1 protein. This variant disrupts a region of the PPT1 protein in which other variant(s) (p.Trp296*) have been determined to be pathogenic (PMID: 9664077). This suggests that this is a clinically significant region of the protein, and that variants that disrupt it are likely to be disease-causing. For these reasons, this variant has been classified as Pathogenic.

Literature cited by the submitters: PubMed 9664077.